The following is an entry in ClinVar:

ClinVar aggregate classification (germline): Uncertain significance (1 of 4 stars; one submission).

Conditions:
Arrhythmogenic cardiomyopathy with wooly hair and keratoderma. Also called: Carvajal syndrome; PALMOPLANTAR KERATODERMA WITH LEFT VENTRICULAR CARDIOMYOPATHY AND WOOLLY HAIR; Dilated cardiomyopathy with woolly hair and keratoderma; Arrhythmogenic cardiomyopathy with woolly hair and keratoderma. Identifiers: Orphanet 65282, MedGen C1854063, MONDO:0011581, OMIM 605676.
Arrhythmogenic right ventricular dysplasia 8 (ARVD8). Also called: ARRHYTHMOGENIC RIGHT VENTRICULAR DYSPLASIA, FAMILIAL, 8; Arrhythmogenic Right Ventricular Dysplasia/Cardiomyopathy 8; ARRHYTHMOGENIC RIGHT VENTRICULAR CARDIOMYOPATHY 8. Identifiers: MedGen C1843896, MONDO:0011831, OMIM 607450.

gnomAD v4.1: 1 of 1,613,962 alleles (0.000062%); highest among the groups gnomAD compares: Non-Finnish European, 0.000085%; no homozygotes.

Submission:

Labcorp Genetics (formerly Invitae), Labcorp
Classification: Uncertain significance for Arrhythmogenic cardiomyopathy with wooly hair and keratoderma; Arrhythmogenic right ventricular dysplasia 8. Last evaluated: 2022-03-09. Review status: criteria provided, single submitter. Criteria: Invitae Variant Classification Sherloc (09022015). Collection method: clinical testing. Allele origin: germline.
Comment: In summary, the available evidence is currently insufficient to determine the role of this variant in disease. Therefore, it has been classified as a Variant of Uncertain Significance. Algorithms developed to predict the effect of missense changes on protein structure and function (SIFT, PolyPhen-2, Align-GVGD) all suggest that this variant is likely to be disruptive. ClinVar contains an entry for this variant (Variation ID: 861666). This variant has not been reported in the literature in individuals affected with DSP-related conditions. This variant is not present in population databases (gnomAD no frequency). This sequence change replaces valine, which is neutral and non-polar, with glycine, which is neutral and non-polar, at codon 2713 of the DSP protein (p.Val2713Gly).

NM_004415.4(DSP):c.8138T>G (p.Val2713Gly)

Gene: DSP (desmoplakin; plus strand). Cytogenetic location: 6p24.3.
Variant type: single nucleotide variant.
Coding change: c.8138T>G on transcript NM_004415.4 (MANE Select); coding-DNA position 8138, T replaced by G.
Protein change: p.Val2713Gly; replaces valine 2713 with glycine.
Molecular consequence: missense variant.
Genome position (GRCh38, 1-based): chr6:7,585,400, T>G. VCF-style: chr6-7585400-T-G. GRCh37 (hg19) VCF-style: chr6-7585633-T-G.
Other names: c.6341T>G, p.Val2114Gly (NM_001008844.3); c.6809T>G, p.Val2270Gly (NM_001319034.2); short protein forms V2114G, V2270G, V2713G.
Identifiers: ClinVar variation 861666 (VCV000861666.10), dbSNP rs1759621076, ClinGen allele CA362694520.